The following is an entry in ClinVar:

NM_000368.5(TSC1):c.158G>A (p.Ser53Asn)

Gene: TSC1 (TSC complex subunit 1; minus strand). Cytogenetic location: 9q34.13.
Variant type: single nucleotide variant.
Coding change: c.158G>A on transcript NM_000368.5 (MANE Select); coding-DNA position 158, G replaced by A.
Protein change: p.Ser53Asn; replaces serine 53 with asparagine.
Molecular consequence: missense variant. On other transcripts: intron variant (1).
Genome position (GRCh38, 1-based): chr9:132,927,253, C>T on the plus strand (G>A on the coding strand, the complement: TSC1 is on the minus strand). VCF-style: chr9-132927253-C-T. GRCh37 (hg19) VCF-style: chr9-135802640-C-T.
Other names: c.158G>A, p.Ser53Asn (NM_001162426.2, NM_001162427.2); c.-154+1514G>A (NM_001362177.2); short protein forms S53N.
Identifiers: ClinVar variation 659254 (VCV000659254.9), dbSNP rs1588359592, ClinGen allele CA375375132.

ClinVar aggregate classification (germline): Conflicting classifications of pathogenicity. Review status: criteria provided, conflicting classifications (1 of 4 stars). 2 submissions from 2 submitters: Uncertain significance (1); Likely benign (1). Last evaluated 2025-07-28.

Conditions:
Hereditary cancer-predisposing syndrome. Also called: Neoplastic Syndromes, Hereditary; Hereditary neoplastic syndrome; Hereditary Cancer Syndrome; Tumor predisposition. Identifiers: Orphanet 140162, MedGen C0027672, MeSH D009386, MONDO:0015356.
Tuberous sclerosis 1 (TSC1). Identifiers: Orphanet 805, MedGen C1854465, MONDO:0008612, OMIM 191100.

Submissions (2):

Ambry Genetics
Classification: Likely benign for Hereditary cancer-predisposing syndrome. Last evaluated: 2025-07-28. Review status: criteria provided, single submitter. Criteria: Ambry Variant Classification Scheme 2023. Collection method: clinical testing. Allele origin: germline.

Labcorp Genetics (formerly Invitae), Labcorp
Classification: Uncertain significance for Tuberous sclerosis 1. Last evaluated: 2022-11-29. Review status: criteria provided, single submitter. Criteria: Invitae Variant Classification Sherloc (09022015). Collection method: clinical testing. Allele origin: germline.
Comment: Advanced modeling of protein sequence and biophysical properties (such as structural, functional, and spatial information, amino acid conservation, physicochemical variation, residue mobility, and thermodynamic stability) performed at Invitae indicates that this missense variant is not expected to disrupt TSC1 protein function. ClinVar contains an entry for this variant (Variation ID: 659254). This variant has not been reported in the literature in individuals affected with TSC1-related conditions. This variant is not present in population databases (gnomAD no frequency). This sequence change replaces serine, which is neutral and polar, with asparagine, which is neutral and polar, at codon 53 of the TSC1 protein (p.Ser53Asn). In summary, the available evidence is currently insufficient to determine the role of this variant in disease. Therefore, it has been classified as a Variant of Uncertain Significance.